The following is an entry in ClinVar:

ClinVar aggregate classification (germline): Uncertain significance. Review status: criteria provided, multiple submitters, no conflicts (2 of 4 stars). 8 submissions from 8 submitters: Uncertain significance (8). Last evaluated 2026-01-25.

Conditions:
Classic or attenuated familial adenomatous polyposis. Identifiers: MedGen CN372698, MONDO:0021057.
Familial adenomatous polyposis 1 (FAP1). Also called: FAMILIAL ADENOMATOUS POLYPOSIS 1, ATTENUATED; POLYPOSIS, ADENOMATOUS INTESTINAL. Identifiers: MedGen C2713442, MONDO:0021056, OMIM 175100. Disease mechanism: loss of function.
Hereditary cancer-predisposing syndrome. Also called: Hereditary neoplastic syndrome; Tumor predisposition; Neoplastic Syndromes, Hereditary; Hereditary Cancer Syndrome. Identifiers: Orphanet 140162, MedGen C0027672, MeSH D009386, MONDO:0015356.

Submissions (8):

Labcorp Genetics (formerly Invitae), Labcorp
Classification: Uncertain significance for Familial adenomatous polyposis 1. Last evaluated: 2026-01-25. Review status: criteria provided, single submitter. Criteria: Invitae Variant Classification Sherloc (09022015). Collection method: clinical testing. Allele origin: germline.
Comment: This sequence change replaces glutamine, which is neutral and polar, with arginine, which is basic and polar, at codon 203 of the APC protein (p.Gln203Arg). This variant is not present in population databases (gnomAD no frequency). This variant has not been reported in the literature in individuals affected with APC-related conditions. ClinVar contains an entry for this variant (Variation ID: 470035). Invitae Evidence Modeling of protein sequence and biophysical properties (such as structural, functional, and spatial information, amino acid conservation, physicochemical variation, residue mobility, and thermodynamic stability) indicates that this missense variant is not expected to disrupt APC protein function with a negative predictive value of 95%. In summary, the available evidence is currently insufficient to determine the role of this variant in disease. Therefore, it has been classified as a Variant of Uncertain Significance.

Baylor Genetics
Classification: Uncertain significance for Familial adenomatous polyposis 1. Last evaluated: 2024-02-19. Review status: criteria provided, single submitter. Criteria: ACMG Guidelines, 2015. Collection method: clinical testing. Allele origin: unknown.

Ambry Genetics
Classification: Uncertain significance for Hereditary cancer-predisposing syndrome. Last evaluated: 2024-01-19. Review status: criteria provided, single submitter. Criteria: Ambry Variant Classification Scheme 2023. Collection method: clinical testing. Allele origin: germline.
Comment: The p.Q203R variant (also known as c.608A>G), located in coding exon 5 of the APC gene, results from an A to G substitution at nucleotide position 608. The glutamine at codon 203 is replaced by arginine, an amino acid with highly similar properties. This amino acid position is highly conserved in available vertebrate species. In addition, in silico predictors for this gene do not accurately predict pathogenicity. Since supporting evidence is limited at this time, the clinical significance of this alteration remains unclear.

All of Us Research Program, National Institutes of Health
Classification: Uncertain significance for Classic or attenuated familial adenomatous polyposis. Last evaluated: 2023-01-10. Review status: criteria provided, single submitter. Criteria: ACMG Guidelines, 2015. Collection method: clinical testing. Allele origin: germline. Inheritance: Autosomal dominant inheritance. Observed: 1 variant allele, 1 heterozygote.
Comment: This missense variant replaces glutamine with arginine at codon 203 of the APC protein. Computational prediction suggests that this variant may not impact protein structure and function (internally defined REVEL score threshold <= 0.5, PMID: 27666373). To our knowledge, functional studies have not been reported for this variant. This variant has not been reported in individuals affected with hereditary cancer in the literature. This variant has not been identified in the general population by the Genome Aggregation Database (gnomAD). The available evidence is insufficient to determine the role of this variant in disease conclusively. Therefore, this variant is classified as a Variant of Uncertain Significance.

This study involves interpretation of variants in research participants for the purpose of population health screening. Participant phenotype was not available at the time of variant classification. Additional details can be found in publication PMID: 35346344, PMCID: PMC8962531

CeGaT Center for Human Genetics Tuebingen
Classification: Uncertain significance. Last evaluated: 2022-12-01. Review status: criteria provided, single submitter. Criteria: CeGaT Center For Human Genetics Tuebingen Variant Classification Criteria Version 2. Collection method: clinical testing. Allele origin: germline. Affected: yes. Observed: 1 variant allele.
Comment: APC: PM2

Color Diagnostics, LLC DBA Color Health
Classification: Uncertain significance for Hereditary cancer-predisposing syndrome. Last evaluated: 2022-09-30. Review status: criteria provided, single submitter. Criteria: ACMG Guidelines, 2015. Collection method: clinical testing. Allele origin: germline.
Comment: This missense variant replaces glutamine with arginine at codon 203 of the APC protein. Computational prediction suggests that this variant may not impact protein structure and function (internally defined REVEL score threshold <= 0.5, PMID: 27666373). To our knowledge, functional studies have not been reported for this variant. This variant has not been reported in individuals affected with hereditary cancer in the literature. This variant has not been identified in the general population by the Genome Aggregation Database (gnomAD). The available evidence is insufficient to determine the role of this variant in disease conclusively. Therefore, this variant is classified as a Variant of Uncertain Significance.

Sema4
Classification: Uncertain significance for Hereditary cancer-predisposing syndrome. Last evaluated: 2022-01-13. Review status: criteria provided, single submitter. Criteria: Sema4 Curation Guidelines. Collection method: curation. Allele origin: germline.
Comment: The APC c.608A>G (p.Q203R) variant has not been reported in the literature to our knowledge. It was not observed in in the large and broad cohorts of the Genome Aggregation Database (PMID: 32461654). This variant has been reported in ClinVar (Variation ID: 470035). Functional studies have not been performed, and in silico predictions of the variant's effect on protein function are inconclusive. The evidence is insufficient to meet ACMG/AMP criteria for classifying the variant as benign or pathogenic. Thus, the clinical significance of this variant is currently uncertain.

PreventionGenetics, part of Exact Sciences
Classification: Uncertain significance. Last evaluated: 2018-01-02. Review status: criteria provided, single submitter. Criteria: ACMG Guidelines, 2015. Collection method: clinical testing. Allele origin: germline.

NM_000038.6(APC):c.608A>G (p.Gln203Arg)

Gene: APC (APC regulator of Wnt signaling pathway; plus strand). Cytogenetic location: 5q22.2.
Variant type: single nucleotide variant.
Coding change: c.608A>G on transcript NM_000038.6 (MANE Select); coding-DNA position 608, A replaced by G.
Protein change: p.Gln203Arg; replaces glutamine 203 with arginine.
Molecular consequence: missense variant. On other transcripts: 5 prime UTR variant (1).
Genome position (GRCh38, 1-based): chr5:112,780,866, A>G. VCF-style: chr5-112780866-A-G. GRCh37 (hg19) VCF-style: chr5-112116563-A-G.
Other names: c.608A>G, p.Gln203Arg (NM_001127510.3, NM_001354895.2, NM_001354896.2 and 2 more transcripts); c.638A>G, p.Gln213Arg (NM_001127511.3, NM_001354897.2, NM_001354902.2); c.533A>G, p.Gln178Arg (NM_001354898.2, NM_001354904.2); c.431A>G, p.Gln144Arg (NM_001354900.2, NM_001354901.2, NM_001354905.2); c.-428A>G (NM_001354906.2); short protein forms Q203R, Q213R, Q144R, Q178R.
Identifiers: ClinVar variation 470035 (VCV000470035.46), dbSNP rs1554072626, ClinGen allele CA16022669.